The following is an entry in ClinVar:

ClinVar aggregate classification (germline): Benign (1 of 4 stars; one submission).

Conditions:
Fibrous dysplasia of jaw (CRBM). Also called: Cherubism. Identifiers: Orphanet 184, MedGen C0008029, MONDO:0007315, OMIM 118400.

Allele frequency attached by ClinVar (database versions not stated): gnomAD 0.01622 and 0.01744; 1000 Genomes Project 0.01717; 1000 Genomes Project 30x 0.01780; TOPMed 0.01810.

Submission:

Illumina Laboratory Services, Illumina
Classification: Benign for Fibrous dysplasia of jaw. Last evaluated: 2018-01-12. Review status: criteria provided, single submitter. Criteria: ICSL Variant Classification Criteria 13 December 2019. Collection method: clinical testing. Allele origin: germline.
Comment: This variant was observed in the ICSL laboratory as part of a predisposition screen in an ostensibly healthy population. It had not been previously curated by ICSL or reported in the Human Gene Mutation Database (HGMD: prior to June 1st, 2018), and was therefore a candidate for classification through an automated scoring system. Utilizing variant allele frequency, disease prevalence and penetrance estimates, and inheritance mode, an automated score was calculated to assess if this variant is too frequent to cause the disease. Based on the score and internal cut-off values, a variant classified as benign is not then subjected to further curation. The score for this variant resulted in a classification of benign for this disease.

NM_001122681.2(SH3BP2):c.*5162A>G

Gene: SH3BP2 (SH3 domain binding protein 2; plus strand). Cytogenetic location: 4p16.3.
Variant type: single nucleotide variant.
Coding change: c.*5162A>G on transcript NM_001122681.2 (MANE Select); 5162 bases downstream of the stop codon, A replaced by G.
Molecular consequence: 3 prime UTR variant.
Genome position (GRCh38, 1-based): chr4:2,838,996, A>G. VCF-style: chr4-2838996-A-G. GRCh37 (hg19) VCF-style: chr4-2840723-A-G.
Other names: c.*5162A>G (LRG_1334t2, LRG_1334t1, NM_001145855.2 and 2 more transcripts).
Identifiers: ClinVar variation 348682 (VCV000348682.5), dbSNP rs73794814, ClinGen allele CA10620942.